The following is an entry in ClinVar:

ClinVar aggregate classification (germline): Uncertain significance (1 of 4 stars; one submission).

Submission:

Labcorp Genetics (formerly Invitae), Labcorp
Classification: Uncertain significance. Last evaluated: 2022-07-01. Review status: criteria provided, single submitter. Criteria: Invitae Variant Classification Sherloc (09022015). Collection method: clinical testing. Allele origin: germline.
Comment: In summary, the available evidence is currently insufficient to determine the role of this variant in disease. Therefore, it has been classified as a Variant of Uncertain Significance. Advanced modeling of protein sequence and biophysical properties (such as structural, functional, and spatial information, amino acid conservation, physicochemical variation, residue mobility, and thermodynamic stability) performed at Invitae indicates that this missense variant is expected to disrupt CDK13 protein function. This variant has not been reported in the literature in individuals affected with CDK13-related conditions. This variant is not present in population databases (gnomAD no frequency). This sequence change replaces isoleucine, which is neutral and non-polar, with threonine, which is neutral and polar, at codon 913 of the CDK13 protein (p.Ile913Thr).

NM_003718.5(CDK13):c.2738T>C (p.Ile913Thr)

Gene: CDK13 (cyclin dependent kinase 13; plus strand). Cytogenetic location: 7p14.1.
Variant type: single nucleotide variant.
Coding change: c.2738T>C on transcript NM_003718.5 (MANE Select); coding-DNA position 2738, T replaced by C.
Protein change: p.Ile913Thr; replaces isoleucine 913 with threonine.
Molecular consequence: missense variant.
Genome position (GRCh38, 1-based): chr7:40,063,058, T>C. VCF-style: chr7-40063058-T-C. GRCh37 (hg19) VCF-style: chr7-40102657-T-C.
Other names: c.2738T>C, p.Ile913Thr (NM_031267.4); short protein forms I913T.
Identifiers: ClinVar variation 2126101 (VCV002126101.4), dbSNP rs2483987929, ClinGen allele CA367286417.
Genomic context (GRCh38, chr7:40,063,058, plus strand): 5'-TAATGACGGGTATTTTTTCCATTAGCTGTATCCTTGGCGAACTCTTCACTAAAAAACCTA[T>C]ATTTCAAGCAAATCAGGAACTTGCACAACTAGAATTAATAAGGTAAGCTGCTGATTATAA-3'
Protein context (NP_003709.3, residues 903-923): ILGELFTKKP[Ile913Thr]FQANQELAQL